The following is an entry in ClinVar:

NM_012280.4(FTSJ1):c.349G>A (p.Gly117Arg)

Gene: FTSJ1 (FtsJ RNA 2'-O-methyltransferase 1; plus strand). Cytogenetic location: Xp11.23.
Variant type: single nucleotide variant.
Coding change: c.349G>A on transcript NM_012280.4 (MANE Select); coding-DNA position 349, G replaced by A.
Protein change: p.Gly117Arg; replaces glycine 117 with arginine.
Molecular consequence: missense variant.
Genome position (GRCh38, 1-based): chrX:48,479,104, G>A. VCF-style: chrX-48479104-G-A. GRCh37 (hg19) VCF-style: chrX-48337492-G-A.
Other names: c.-10G>A (NM_001282157.2); c.349G>A, p.Gly117Arg (NM_177439.3); short protein forms G117R.
Identifiers: ClinVar variation 4070580 (VCV004070580.2).

ClinVar aggregate classification (germline): Conflicting classifications of pathogenicity. Review status: criteria provided, conflicting classifications (1 of 4 stars). 2 submissions from 2 submitters: Likely pathogenic (1); Uncertain significance (1). Last evaluated 2025-01-17.

Conditions:
FTSJ1-related disorders.

Submissions (2):

GeneDx
Classification: Uncertain significance. Last evaluated: 2025-01-17. Review status: criteria provided, single submitter. Criteria: GeneDx Variant Classification Process June 2021. Collection method: clinical testing. Allele origin: germline. Affected: yes.
Comment: Observed in hemizygous state in patients in published literature (PMID: 25644381) and in an individual with neurodevelopmental features referred for testing at an outside laboratory (external communication), and not observed in hemizygous state in controls; Not observed at significant frequency in large population cohorts (gnomAD); In silico analysis supports that this missense variant has a deleterious effect on protein structure/function; This variant is associated with the following publications: (PMID: 25644381)

Blueprint Genetics
Classification: Likely pathogenic for FTSJ1-related disorders. Last evaluated: 2023-04-20. Review status: criteria provided, single submitter. Criteria: ACMG Guidelines, 2015. Collection method: clinical testing. Allele origin: germline. Affected: yes. Observed: 2 variant alleles.